The following is an entry in ClinVar:

NM_030665.4(RAI1):c.1180C>A (p.Pro394Thr)

Gene: RAI1 (retinoic acid induced 1; plus strand). Cytogenetic location: 17p11.2.
Variant type: single nucleotide variant.
Coding change: c.1180C>A on transcript NM_030665.4 (MANE Select); coding-DNA position 1180, C replaced by A.
Protein change: p.Pro394Thr; replaces proline 394 with threonine.
Molecular consequence: missense variant.
Genome position (GRCh38, 1-based): chr17:17,794,128, C>A. VCF-style: chr17-17794128-C-A. GRCh37 (hg19) VCF-style: chr17-17697442-C-A.
Other names: short protein forms P394T.
Identifiers: ClinVar variation 2825239 (VCV002825239.3), dbSNP rs2508574185, ClinGen allele CA398547061.

ClinVar aggregate classification (germline): Uncertain significance (1 of 4 stars; one submission).

Submission:

Labcorp Genetics (formerly Invitae), Labcorp
Classification: Uncertain significance. Last evaluated: 2022-12-31. Review status: criteria provided, single submitter. Criteria: Invitae Variant Classification Sherloc (09022015). Collection method: clinical testing. Allele origin: germline.
Comment: This sequence change replaces proline, which is neutral and non-polar, with threonine, which is neutral and polar, at codon 394 of the RAI1 protein (p.Pro394Thr). This variant is not present in population databases (gnomAD no frequency). This variant has not been reported in the literature in individuals affected with RAI1-related conditions. Advanced modeling of protein sequence and biophysical properties (such as structural, functional, and spatial information, amino acid conservation, physicochemical variation, residue mobility, and thermodynamic stability) performed at Invitae indicates that this missense variant is expected to disrupt RAI1 protein function. In summary, the available evidence is currently insufficient to determine the role of this variant in disease. Therefore, it has been classified as a Variant of Uncertain Significance.